The following is an entry in ClinVar:

NM_007294.4(BRCA1):c.5273G>T (p.Arg1758Ile)

Gene: BRCA1 (BRCA1 DNA repair associated; minus strand). Cytogenetic location: 17q21.31.
Variant type: single nucleotide variant.
Coding change: c.5273G>T on transcript NM_007294.4 (MANE Select); coding-DNA position 5273, G replaced by T.
Protein change: p.Arg1758Ile; replaces arginine 1758 with isoleucine.
Molecular consequence: missense variant. On other transcripts: non-coding transcript variant (1).
Genome position (GRCh38, 1-based): chr17:43,057,056, C>A on the plus strand (G>T on the coding strand, the complement: BRCA1 is on the minus strand). VCF-style: chr17-43057056-C-A. GRCh37 (hg19) VCF-style: chr17-41209073-C-A.
Other names: c.5060G>T, p.Arg1687Ile (NM_001407571.1, NM_001407900.1, NM_001407902.1 and 12 more transcripts); c.5339G>T, p.Arg1780Ile (NM_001407581.1, NM_001407582.1); c.5336G>T, p.Arg1779Ile (NM_001407583.1, NM_001407585.1, NM_001407587.1 and 1 more transcripts); c.5270G>T, p.Arg1757Ile (NM_001407610.1, NM_001407611.1, NM_001407612.1 and 17 more transcripts); c.5267G>T, p.Arg1756Ile (NM_001407629.1, NM_001407630.1, NM_001407631.1 and 14 more transcripts); c.5213G>T, p.Arg1738Ile (NM_001407649.1); c.5195G>T, p.Arg1732Ile (NM_001407652.1, NM_001407653.1, NM_001407654.1 and 1 more transcripts); c.5192G>T, p.Arg1731Ile (NM_001407656.1, NM_001407657.1, NM_001407658.1); and 72 more; short protein forms R1711I, R654I, R1758I, R1779I, R1630I, R1646I, R1668I, R1687I.
Identifiers: ClinVar variation 867915 (VCV000867915.3), dbSNP rs2051497373, ClinGen allele CA10591006.

Conditions:
Breast-ovarian cancer, familial, susceptibility to, 1 (BROVCA1). Also called: BRCA1 Hereditary Breast and Ovarian Cancer; OVARIAN CANCER, SUSCEPTIBILITY TO. Identifiers: Orphanet 145, MedGen C2676676, MONDO:0011450, OMIM 604370. Disease mechanism: loss of function.

Submission:

Brotman Baty Institute, University of Washington
No classification provided (evidence only). Condition: Breast-ovarian cancer, familial 1. Review status: no classification provided. Collection method: in vitro. Allele origin: not applicable. Functional consequence: functionally_normal.
ClinVar note: "not provided" was previously submitted as the classification for the variant. However, the classification appeared to be based only on an observation of functional data so it was converted to no classification on 2025-07-30.